The following is an entry in ClinVar:

NM_017780.4(CHD7):c.5521G>A (p.Asp1841Asn)

Gene: CHD7 (chromodomain helicase DNA binding protein 7; plus strand). Cytogenetic location: 8q12.2.
Variant type: single nucleotide variant.
Coding change: c.5521G>A on transcript NM_017780.4 (MANE Select); coding-DNA position 5521, G replaced by A.
Protein change: p.Asp1841Asn; replaces aspartic acid 1841 with asparagine.
Molecular consequence: missense variant. On other transcripts: intron variant (1).
Genome position (GRCh38, 1-based): chr8:60,850,609, G>A. VCF-style: chr8-60850609-G-A. GRCh37 (hg19) VCF-style: chr8-61763168-G-A.
Other names: c.1717-11620G>A (NM_001316690.1); short protein forms D1841N.
Identifiers: ClinVar variation 4752067 (VCV004752067.1).
Genomic context (GRCh38, chr8:60,850,609, plus strand): 5'-GTCGGTATGCCTGATGCCAAGGCCATAGCTGCCGAGCAAAGAGGAACAGACATGCTAGCA[G>A]ATGGTGGTGACGGGTAAGAAGGACATTTTAAAATTTGAATAAACTTTATGTCAGTTTCAC-3'
Protein context (NP_060250.2, residues 1831-1851): AEQRGTDMLA[Asp1841Asn]GGDGGEFDRE

ClinVar aggregate classification (germline): Uncertain significance (1 of 4 stars; one submission).

Conditions:
CHARGE syndrome (CHARGE). Also called: Hittner Hirsch Kreh syndrome; CHARGE ASSOCIATION--COLOBOMA, HEART ANOMALY, CHOANAL ATRESIA, RETARDATION, GENITAL AND EAR ANOMALIES; Coloboma, heart anomaly, choanal atresia, retardation, genital and ear anomalies; CHARGE association; Hall-Hittner syndrome. Identifiers: Orphanet 138, MedGen C0265354, MONDO:0008965.

gnomAD v4.1: 1 of 1,612,340 alleles (0.000062%); highest among the groups gnomAD compares: Non-Finnish European, 0.000085%; no homozygotes.

Submission:

Labcorp Genetics (formerly Invitae), Labcorp
Classification: Uncertain significance for CHARGE syndrome. Last evaluated: 2025-05-15. Review status: criteria provided, single submitter. Criteria: Invitae Variant Classification Sherloc (09022015). Collection method: clinical testing. Allele origin: germline.
Comment: This sequence change replaces aspartic acid, which is acidic and polar, with asparagine, which is neutral and polar, at codon 1841 of the CHD7 protein (p.Asp1841Asn). This variant is not present in population databases (gnomAD no frequency). This variant has not been reported in the literature in individuals affected with CHD7-related conditions. Invitae Evidence Modeling of protein sequence and biophysical properties (such as structural, functional, and spatial information, amino acid conservation, physicochemical variation, residue mobility, and thermodynamic stability) indicates that this missense variant is not expected to disrupt CHD7 protein function with a negative predictive value of 95%. In summary, the available evidence is currently insufficient to determine the role of this variant in disease. Therefore, it has been classified as a Variant of Uncertain Significance.